The following is an entry in ClinVar:

ClinVar aggregate classification (germline): Uncertain significance (1 of 4 stars; one submission).

Submission:

GeneDx
Classification: Uncertain significance. Last evaluated: 2013-12-31. Review status: criteria provided, single submitter. Criteria: GeneDx Variant Classification (06012015). Collection method: clinical testing. Allele origin: germline. Affected: yes.
Comment: p.Trp4630Cys (TGG>TGC): c.13890 G>C in exon 95 of the RYR2 gene (NM_001035.2). The W4630C variant in the RYR2 gene has not been reported as a disease-causing mutation or as a benign polymorphism to our knowledge. The W4630C variant is a non-conservative amino acid substitution as these residues differ in polarity, charge, size and/or other properties and is more likely to impact secondary structure. The W4630C residue is conserved across species. In silico analysis predicts W4630C is probably damaging to the protein structure/function. Furthermore, the W4630C variant was not observed in approximately 6,000 individuals of European and African American ancestry in the NHLBI Exome Sequencing Project, indicating it is not a common benign variant in these populations. W4630C is located in the channel region, a mutation hot spot" domain in the RYR2 gene (Medeiros-Domingo A et al., 2009). Nevertheless, no mutations in nearby residues have be reported in association with CPVT. We cannot definitively determine if W4630C is a disease-causing mutation or a rare benign variant. The variant is found in CPVT panel(s)."

NM_001035.3(RYR2):c.13890G>C (p.Trp4630Cys)

Gene: RYR2 (ryanodine receptor 2; plus strand). Cytogenetic location: 1q43.
Variant type: single nucleotide variant.
Coding change: c.13890G>C on transcript NM_001035.3 (MANE Select); coding-DNA position 13890, G replaced by C.
Protein change: p.Trp4630Cys; replaces tryptophan 4630 with cysteine.
Molecular consequence: missense variant.
Genome position (GRCh38, 1-based): chr1:237,793,974, G>C. VCF-style: chr1-237793974-G-C. GRCh37 (hg19) VCF-style: chr1-237957274-G-C.
Other names: p.W4630C:TGG>TGC; c.13890G>C, p.Trp4630Cys (LRG_402t1); short protein forms W4630C.
Identifiers: ClinVar variation 201353 (VCV000201353.2), dbSNP rs794728800, ClinGen allele CA008071.
Genomic context (GRCh38, chr1:237,793,974, plus strand): 5'-GGAATTTGATGGGCTTTATATTACAGAACAGCCTTCAGAAGATGATATTAAAGGCCAGTG[G>C]GATAGACTCGTAATCAACACACAGTGAGTAAATAATTATATGAGACTTTCTGCACTCAAA-3'
Protein context (NP_001026.2, residues 4620-4640): QPSEDDIKGQ[Trp4630Cys]DRLVINTQSF